The following is an entry in ClinVar:

NM_001256545.2(MEGF10):c.424G>T (p.Asp142Tyr)

Gene: MEGF10 (multiple EGF like domains 10; plus strand). Cytogenetic location: 5q23.2.
Variant type: single nucleotide variant.
Coding change: c.424G>T on transcript NM_001256545.2 (MANE Select); coding-DNA position 424, G replaced by T.
Protein change: p.Asp142Tyr; replaces aspartic acid 142 with tyrosine.
Molecular consequence: missense variant.
Genome position (GRCh38, 1-based): chr5:127,396,543, G>T. VCF-style: chr5-127396543-G-T. GRCh37 (hg19) VCF-style: chr5-126732235-G-T.
Other names: c.424G>T, p.Asp142Tyr (NM_001308119.2, NM_001308121.2, NM_032446.3); c.424G>T (NM_032446.2); short protein forms D142Y.
Identifiers: ClinVar variation 1006758 (VCV001006758.10), dbSNP rs779874582, ClinGen allele CA3391285.

ClinVar aggregate classification (germline): Uncertain significance. Review status: criteria provided, multiple submitters, no conflicts (2 of 4 stars). 2 submissions from 2 submitters: Uncertain significance (2). Last evaluated 2023-05-23.

Conditions:
Inborn genetic diseases. Identifiers: MedGen C0950123, MeSH D030342.
MEGF10-related myopathy (CMYO10A). Also called: Congenital myopathy 10A, severe variant. Identifiers: Orphanet 439212, MedGen C3280679, MONDO:0013731, OMIM 614399.

Allele frequency attached by ClinVar (database versions not stated): ExAC 0.00002.
gnomAD v4.1: 8 of 1,544,304 alleles (0.00052%); highest among the groups gnomAD compares: Non-Finnish European, 0.00044%; no homozygotes.

Submissions (2):

Labcorp Genetics (formerly Invitae), Labcorp
Classification: Uncertain significance for MEGF10-related myopathy. Last evaluated: 2023-05-23. Review status: criteria provided, single submitter. Criteria: Invitae Variant Classification Sherloc (09022015). Collection method: clinical testing. Allele origin: germline.
Comment: This sequence change replaces aspartic acid, which is acidic and polar, with tyrosine, which is neutral and polar, at codon 142 of the MEGF10 protein (p.Asp142Tyr). In summary, the available evidence is currently insufficient to determine the role of this variant in disease. Therefore, it has been classified as a Variant of Uncertain Significance. Advanced modeling of protein sequence and biophysical properties (such as structural, functional, and spatial information, amino acid conservation, physicochemical variation, residue mobility, and thermodynamic stability) performed at Invitae indicates that this missense variant is not expected to disrupt MEGF10 protein function. ClinVar contains an entry for this variant (Variation ID: 1006758). This variant has not been reported in the literature in individuals affected with MEGF10-related conditions. This variant is present in population databases (rs779874582, gnomAD 0.001%).

Ambry Genetics
Classification: Uncertain significance for Inborn genetic diseases. Last evaluated: 2022-08-12. Review status: criteria provided, single submitter. Criteria: Ambry Variant Classification Scheme 2023. Collection method: clinical testing. Allele origin: germline.